The following is an entry in ClinVar:

NM_006648.4(WNK2):c.2272C>G (p.His758Asp)

Gene: WNK2 (WNK lysine deficient protein kinase 2; plus strand). Cytogenetic location: 9q22.31.
Variant type: single nucleotide variant.
Coding change: c.2272C>G on transcript NM_006648.4 (MANE Select); coding-DNA position 2272, C replaced by G.
Protein change: p.His758Asp; replaces histidine 758 with aspartic acid.
Molecular consequence: missense variant.
Genome position (GRCh38, 1-based): chr9:93,257,029, C>G. VCF-style: chr9-93257029-C-G. GRCh37 (hg19) VCF-style: chr9-96019311-C-G.
Other names: c.2272C>G, p.His758Asp (NM_001282394.3); short protein forms H758D.
Identifiers: ClinVar variation 3470314 (VCV003470314.1).

ClinVar aggregate classification (germline): Uncertain significance (1 of 4 stars; one submission).

gnomAD v4.1: 305 of 1,604,430 alleles (0.019%); highest among the groups gnomAD compares: South Asian, 0.29%; 4 homozygotes.

Submission:

Ambry Genetics
Classification: Uncertain significance. Last evaluated: 2024-11-22. Review status: criteria provided, single submitter. Criteria: Ambry Variant Classification Scheme 2023. Collection method: clinical testing. Allele origin: germline.
Comment: The p.H758D variant (also known as c.2272C>G), located in coding exon 10 of the WNK2 gene, results from a C to G substitution at nucleotide position 2272. The histidine at codon 758 is replaced by aspartic acid, an amino acid with similar properties. This amino acid position is conserved. In addition, this alteration is predicted to be tolerated by in silico analysis. Based on the available evidence, the clinical significance of this variant remains unclear.